The following is an entry in ClinVar:

NM_000057.4(BLM):c.4076+1del

Gene: BLM (BLM RecQ like helicase; plus strand). Cytogenetic location: 15q26.1.
Variant type: Deletion.
Coding change: c.4076+1del on transcript NM_000057.4 (MANE Select); the canonical splice donor site of the intron after coding-DNA position 4076, one base deleted (G; older notation c.4076+1delG).
Molecular consequence: splice donor variant.
Genome position (GRCh38, 1-based): chr15:90,811,407, G deleted; the last of 4 consecutive G bases (chr15:90,811,404-90,811,407); deleting any one gives the same sequence. VCF-style (leftmost placement, unchanged base first): chr15-90811403-AG-A. GRCh37 (hg19) VCF-style: chr15-91354633-AG-A.
Other names: c.4076+1del (NM_001287246.2); c.2951+1del (NM_001287248.2); c.3683+1del (NM_001287247.2).
Identifiers: ClinVar variation 937773 (VCV000937773.10), dbSNP rs763072825, ClinGen allele CA7739181.

ClinVar aggregate classification (germline): Uncertain significance. Review status: criteria provided, multiple submitters, no conflicts (2 of 4 stars). 2 submissions from 2 submitters: Uncertain significance (2). Last evaluated 2024-09-05.

Conditions:
Hereditary cancer-predisposing syndrome. Also called: Tumor predisposition; Hereditary neoplastic syndrome; Hereditary Cancer Syndrome; Neoplastic Syndromes, Hereditary. Identifiers: Orphanet 140162, MedGen C0027672, MeSH D009386, MONDO:0015356.
Bloom syndrome (BLM). Also called: Bloom-Torre-Machacek syndrome. Identifiers: Orphanet 125, MedGen C0005859, MONDO:0008876, OMIM 210900.

Submissions (2):

Labcorp Genetics (formerly Invitae), Labcorp
Classification: Uncertain significance for Bloom syndrome. Last evaluated: 2024-09-05. Review status: criteria provided, single submitter. Criteria: Invitae Variant Classification Sherloc (09022015). Collection method: clinical testing. Allele origin: germline.
Comment: This sequence change affects a splice site in intron 21 of the BLM gene. While this variant is not anticipated to result in nonsense mediated decay, it likely alters RNA splicing and results in a disrupted protein product. This variant is present in population databases (rs763072825, gnomAD 0.007%). This variant has not been reported in the literature in individuals affected with BLM-related conditions. ClinVar contains an entry for this variant (Variation ID: 937773). Variants that disrupt the consensus splice site are a relatively common cause of aberrant splicing (PMID: 17576681, 9536098). In summary, the available evidence is currently insufficient to determine the role of this variant in disease. Therefore, it has been classified as a Variant of Uncertain Significance.

Ambry Genetics
Classification: Uncertain significance for Hereditary cancer-predisposing syndrome. Last evaluated: 2023-04-04. Review status: criteria provided, single submitter. Criteria: Ambry Variant Classification Scheme 2023. Collection method: clinical testing. Allele origin: germline.
Comment: The c.4076+1delG variant results from a deletion of a G nucleotide at position c.4076+1 and involves the canonical splice donor site after coding exon 20 of the BLM gene. This nucleotide position is highly conserved in available vertebrate species. In silico splice site analysis predicts that this alteration will weaken the native splice donor site and will result in the creation or strengthening of a novel splice donor site; however, direct evidence is insufficient at this time (Ambry internal data). This alteration occurs at the 3' terminus of the BLM gene, is not expected to trigger nonsense-mediated mRNA decay, and only impacts the last 57 amino acids of the protein. The exact functional effect of this alteration is unknown. Since supporting evidence is limited at this time, the clinical significance of this alteration remains unclear.

Literature cited by the submitters: PubMed 17576681 (cited by Labcorp Genetics (formerly Invitae), Labcorp); PubMed 9536098 (cited by Labcorp Genetics (formerly Invitae), Labcorp).